The following is an entry in ClinVar:

NM_000587.4(C7):c.1349A>G (p.Asp450Gly)

Gene: C7 (complement C7; plus strand). Cytogenetic location: 5p13.1.
Variant type: single nucleotide variant.
Coding change: c.1349A>G on transcript NM_000587.4 (MANE Select); coding-DNA position 1349, A replaced by G.
Protein change: p.Asp450Gly; replaces aspartic acid 450 with glycine.
Molecular consequence: missense variant.
Genome position (GRCh38, 1-based): chr5:40,958,121, A>G. VCF-style: chr5-40958121-A-G. GRCh37 (hg19) VCF-style: chr5-40958223-A-G.
Other names: short protein forms D450G.
Identifiers: ClinVar variation 1488539 (VCV001488539.8), dbSNP rs2111663539, ClinGen allele CA359586459.
Genomic context (GRCh38, chr5:40,958,121, plus strand): 5'-AAGTACCTTGTGCCTCTGTGAAAAAACTATACCTGAAATGGGCTCTTGAAGAGTATCTGG[A>G]TGAATTTGACCCCTGTCATTGCCGGCCTTGTCAAAATGGTGGTTTGGCTACTGTTGAGGG-3'
Protein context (NP_000578.2, residues 440-460): YLKWALEEYL[Asp450Gly]EFDPCHCRPC

ClinVar aggregate classification (germline): Uncertain significance (1 of 4 stars; one submission).

Submission:

Labcorp Genetics (formerly Invitae), Labcorp
Classification: Uncertain significance. Last evaluated: 2022-02-05. Review status: criteria provided, single submitter. Criteria: Invitae Variant Classification Sherloc (09022015). Collection method: clinical testing. Allele origin: germline.
Comment: This sequence change replaces aspartic acid, which is acidic and polar, with glycine, which is neutral and non-polar, at codon 450 of the C7 protein (p.Asp450Gly). This variant is not present in population databases (gnomAD no frequency). This variant has not been reported in the literature in individuals affected with C7-related conditions. Algorithms developed to predict the effect of missense changes on protein structure and function (SIFT, PolyPhen-2, Align-GVGD) all suggest that this variant is likely to be tolerated. Algorithms developed to predict the effect of sequence changes on RNA splicing suggest that this variant may create or strengthen a splice site. In summary, the available evidence is currently insufficient to determine the role of this variant in disease. Therefore, it has been classified as a Variant of Uncertain Significance.